The following is an entry in ClinVar:

NM_000051.4(ATM):c.7558A>C (p.Met2520Leu)

Genes: ATM (ATM serine/threonine kinase; plus strand), C11orf65 (chromosome 11 open reading frame 65; minus strand). Cytogenetic location: 11q22.3.
Variant type: single nucleotide variant.
Coding change: c.7558A>C on transcript NM_000051.4 (MANE Select); coding-DNA position 7558, A replaced by C.
Protein change: p.Met2520Leu; replaces methionine 2520 with leucine.
Molecular consequence: missense variant. On other transcripts: intron variant (2), non-coding transcript variant (1).
Genome position (GRCh38, 1-based): chr11:108,331,486, A>C. VCF-style: chr11-108331486-A-C. GRCh37 (hg19) VCF-style: chr11-108202213-A-C.
Other names: c.7558A>C, p.Met2520Leu (NM_001351834.2); c.641-22415T>G (NM_001330368.2); c.*38+3734T>G (NM_001351110.2); short protein forms M2520L.
Identifiers: ClinVar variation 827122 (VCV000827122.12), dbSNP rs1591167508, ClinGen allele CA382560721.
Genomic context (GRCh38, chr11:108,331,486, plus strand): 5'-TCTTTTTTTTAATGGTAGAGAGACGGAATGAAGATTCCAACATATAAATTTTTGCCTCTT[A>C]TGTACCAATTGGCTGCTAGAATGGGGACCAAGATGATGGGAGGCCTAGGATTTCATGAAG-3'
Protein context (NP_000042.3, residues 2510-2530): KIPTYKFLPL[Met2520Leu]YQLAARMGTK

ClinVar aggregate classification (germline): Uncertain significance. Review status: criteria provided, multiple submitters, no conflicts (2 of 4 stars). 2 submissions from 2 submitters: Uncertain significance (2). Last evaluated 2025-08-11.

Conditions:
Hereditary cancer-predisposing syndrome. Also called: Tumor predisposition; Neoplastic Syndromes, Hereditary; Hereditary Cancer Syndrome; Hereditary neoplastic syndrome. Identifiers: Orphanet 140162, MedGen C0027672, MeSH D009386, MONDO:0015356.
Ataxia-telangiectasia syndrome (AT). Also called: ATAXIA-TELANGIECTASIA, COMPLEMENTATION GROUP A; ATAXIA-TELANGIECTASIA, FRESNO VARIANT; Ataxia-telangiectasia; Ataxia-telangiectasia, complementation group D; AT, COMPLEMENTATION GROUP C; Ataxia-telangiectasia, complementation group E. Identifiers: Orphanet 100, MedGen C0004135, MONDO:0008840, OMIM 208900.

Submissions (2):

Ambry Genetics
Classification: Uncertain significance for Hereditary cancer-predisposing syndrome. Last evaluated: 2025-08-11. Review status: criteria provided, single submitter. Criteria: Ambry Variant Classification Scheme 2023. Collection method: clinical testing. Allele origin: germline.
Comment: The p.M2520L variant (also known as c.7558A>C), located in coding exon 50 of the ATM gene, results from an A to C substitution at nucleotide position 7558. The methionine at codon 2520 is replaced by leucine, an amino acid with highly similar properties. This amino acid position is highly conserved in available vertebrate species. In addition, the in silico prediction for this alteration is inconclusive. Based on the available evidence, the clinical significance of this variant remains unclear.

Labcorp Genetics (formerly Invitae), Labcorp
Classification: Uncertain significance for Ataxia-telangiectasia syndrome. Last evaluated: 2024-04-02. Review status: criteria provided, single submitter. Criteria: Invitae Variant Classification Sherloc (09022015). Collection method: clinical testing. Allele origin: germline.
Comment: This sequence change replaces methionine, which is neutral and non-polar, with leucine, which is neutral and non-polar, at codon 2520 of the ATM protein (p.Met2520Leu). This variant is not present in population databases (gnomAD no frequency). This variant has not been reported in the literature in individuals affected with ATM-related conditions. ClinVar contains an entry for this variant (Variation ID: 827122). An algorithm developed to predict the effect of missense changes on protein structure and function (PolyPhen-2) suggests that this variant is likely to be tolerated. In summary, the available evidence is currently insufficient to determine the role of this variant in disease. Therefore, it has been classified as a Variant of Uncertain Significance.